The following is an entry in ClinVar:

NM_000051.4(ATM):c.5895A>T (p.Lys1965Asn)

Genes: ATM (ATM serine/threonine kinase; plus strand), C11orf65 (chromosome 11 open reading frame 65; minus strand). Cytogenetic location: 11q22.3.
Variant type: single nucleotide variant.
Coding change: c.5895A>T on transcript NM_000051.4 (MANE Select); coding-DNA position 5895, A replaced by T.
Protein change: p.Lys1965Asn; replaces lysine 1965 with asparagine.
Molecular consequence: missense variant. On other transcripts: intron variant (2).
Genome position (GRCh38, 1-based): chr11:108,310,292, A>T. VCF-style: chr11-108310292-A-T. GRCh37 (hg19) VCF-style: chr11-108181019-A-T.
Other names: c.5895A>T, p.Lys1965Asn (NM_001351834.2); c.641-1221T>A (NM_001330368.2); c.*39-1221T>A (NM_001351110.2); short protein forms K1965N.
Identifiers: ClinVar variation 577177 (VCV000577177.22), dbSNP rs1565490147, ClinGen allele CA382548556.

ClinVar aggregate classification (germline): Uncertain significance. Review status: criteria provided, multiple submitters, no conflicts (2 of 4 stars). 4 submissions from 4 submitters: Uncertain significance (3). 1 of the submissions does not count toward it. Last evaluated 2025-09-19.

Conditions:
Hereditary cancer-predisposing syndrome. Also called: Hereditary Cancer Syndrome; Neoplastic Syndromes, Hereditary; Tumor predisposition; Hereditary neoplastic syndrome. Identifiers: Orphanet 140162, MedGen C0027672, MeSH D009386, MONDO:0015356.
Familial cancer of breast. Also called: BREAST CANCER, FAMILIAL; Hereditary breast cancer; hereditary breast carcinoma. Identifiers: Orphanet 227535, MedGen C0346153, MONDO:0016419, OMIM 114480. Disease mechanism: loss of function.
Ataxia-telangiectasia syndrome (AT). Also called: Cerebello-oculocutaneous telangiectasia; Immunodeficiency with ataxia telangiectasia; Ataxia-telangiectasia, complementation group E; Ataxia-telangiectasia, complementation group D; AT, COMPLEMENTATION GROUP C; ATAXIA-TELANGIECTASIA, COMPLEMENTATION GROUP A. Identifiers: Orphanet 100, MedGen C0004135, MONDO:0008840, OMIM 208900.

Submissions (4):

Labcorp Genetics (formerly Invitae), Labcorp
Classification: Uncertain significance for Ataxia-telangiectasia syndrome. Last evaluated: 2025-09-19. Review status: criteria provided, single submitter. Criteria: Invitae Variant Classification Sherloc (09022015). Collection method: clinical testing. Allele origin: germline.
Comment: This sequence change replaces lysine, which is basic and polar, with asparagine, which is neutral and polar, at codon 1965 of the ATM protein (p.Lys1965Asn). This variant is not present in population databases (gnomAD no frequency). This variant has not been reported in the literature in individuals affected with ATM-related conditions. ClinVar contains an entry for this variant (Variation ID: 577177). Invitae Evidence Modeling of protein sequence and biophysical properties (such as structural, functional, and spatial information, amino acid conservation, physicochemical variation, residue mobility, and thermodynamic stability) indicates that this missense variant is not expected to disrupt ATM protein function with a negative predictive value of 95%. In summary, the available evidence is currently insufficient to determine the role of this variant in disease. Therefore, it has been classified as a Variant of Uncertain Significance.

Baylor Genetics
Classification: Uncertain significance for Familial cancer of breast. Last evaluated: 2023-09-20. Review status: criteria provided, single submitter. Criteria: ACMG Guidelines, 2015. Collection method: clinical testing. Allele origin: unknown.

Color Diagnostics, LLC DBA Color Health
Classification: Uncertain significance for Hereditary cancer-predisposing syndrome. Last evaluated: 2019-06-04. Review status: criteria provided, single submitter. Criteria: ACMG Guidelines, 2015. Collection method: clinical testing. Allele origin: germline.

Natera, Inc.
Classification: Uncertain significance for Ataxia-telangiectasia. Last evaluated: 2020-11-02. Review status: no assertion criteria provided. Collection method: clinical testing. Allele origin: germline. Not counted in ClinVar's aggregate classification.